The following is an entry in ClinVar:

NM_001291303.3(FAT4):c.12361C>T (p.Leu4121Phe)

Gene: FAT4 (FAT atypical cadherin 4; plus strand). Cytogenetic location: 4q28.1.
Variant type: single nucleotide variant.
Coding change: c.12361C>T on transcript NM_001291303.3 (MANE Select); coding-DNA position 12361, C replaced by T.
Protein change: p.Leu4121Phe; replaces leucine 4121 with phenylalanine.
Molecular consequence: missense variant.
Genome position (GRCh38, 1-based): chr4:125,477,216, C>T. VCF-style: chr4-125477216-C-T. GRCh37 (hg19) VCF-style: chr4-126398371-C-T.
Other names: c.12355C>T (NM_024582.4); c.12361C>T, p.Leu4121Phe (NM_001291285.3); c.12355C>T, p.Leu4119Phe (NM_024582.6); short protein forms L4121F, L4119F.
Identifiers: ClinVar variation 1896573 (VCV001896573.4), dbSNP rs1455202994, ClinGen allele CA358130990.

ClinVar aggregate classification (germline): Uncertain significance. Review status: criteria provided, multiple submitters, no conflicts (2 of 4 stars). 2 submissions from 2 submitters: Uncertain significance (2). Last evaluated 2025-11-24.

Conditions:
Inborn genetic diseases. Identifiers: MedGen C0950123, MeSH D030342.

Allele frequency attached by ClinVar (database versions not stated): gnomAD exomes 0.00001; gnomAD 0.00002.
gnomAD v4.1: 10 of 1,533,080 alleles (0.00065%); highest among the groups gnomAD compares: Non-Finnish European, 0.00088%; no homozygotes.

Submissions (2):

Ambry Genetics
Classification: Uncertain significance for Inborn genetic diseases. Last evaluated: 2025-11-24. Review status: criteria provided, single submitter. Criteria: Ambry Variant Classification Scheme 2023. Collection method: clinical testing. Allele origin: germline.

Labcorp Genetics (formerly Invitae), Labcorp
Classification: Uncertain significance. Last evaluated: 2025-04-17. Review status: criteria provided, single submitter. Criteria: Invitae Variant Classification Sherloc (09022015). Collection method: clinical testing. Allele origin: germline.
Comment: This sequence change replaces leucine, which is neutral and non-polar, with phenylalanine, which is neutral and non-polar, at codon 4119 of the FAT4 protein (p.Leu4119Phe). The frequency data for this variant in the population databases is considered unreliable, as metrics indicate poor data quality at this position in the gnomAD database. This variant has not been reported in the literature in individuals affected with FAT4-related conditions. ClinVar contains an entry for this variant (Variation ID: 1896573). Invitae Evidence Modeling of protein sequence and biophysical properties (such as structural, functional, and spatial information, amino acid conservation, physicochemical variation, residue mobility, and thermodynamic stability) indicates that this missense variant is not expected to disrupt FAT4 protein function with a negative predictive value of 95%. In summary, the available evidence is currently insufficient to determine the role of this variant in disease. Therefore, it has been classified as a Variant of Uncertain Significance.